The following is an entry in ClinVar:

NM_000478.6(ALPL):c.538C>A (p.His180Asn)

Gene: ALPL (alkaline phosphatase, biomineralization associated; plus strand). Cytogenetic location: 1p36.12.
Variant type: single nucleotide variant.
Coding change: c.538C>A on transcript NM_000478.6 (MANE Select); coding-DNA position 538, C replaced by A.
Protein change: p.His180Asn; replaces histidine 180 with asparagine.
Molecular consequence: missense variant.
Genome position (GRCh38, 1-based): chr1:21,564,106, C>A. VCF-style: chr1-21564106-C-A. GRCh37 (hg19) VCF-style: chr1-21890599-C-A.
Other names: c.373C>A, p.His125Asn (NM_001127501.4); c.307C>A, p.His103Asn (NM_001177520.3); c.538C>A, p.His180Asn (NM_001369803.2, NM_001369804.2, NM_001369805.2); short protein forms H103N, H125N, H180N.
Identifiers: ClinVar variation 1334798 (VCV001334798.4), dbSNP rs2148161530, ClinGen allele CA338877939.
Genomic context (GRCh38, chr1:21,564,106, plus strand): 5'-TCTGTGGGCATTGTGACCACCACGAGAGTGAACCATGCCACCCCCAGCGCCGCCTACGCC[C>A]ACTCGGCTGACCGGGACTGGTACTCAGACAACGAGATGCCCCCTGAGGCCTTGAGCCAGG-3'
Protein context (NP_000469.3, residues 170-190): NHATPSAAYA[His180Asn]SADRDWYSDN

ClinVar aggregate classification (germline): Uncertain significance. Review status: criteria provided, multiple submitters, no conflicts (2 of 4 stars). 3 submissions from 3 submitters: Uncertain significance (3). Last evaluated 2025-08-29.

Conditions:
Hypophosphatasia. Also called: Phosphoethanol-aminuria. Identifiers: Orphanet 436, MedGen C0020630, MeSH D007014, MONDO:0018570.

gnomAD v4.1: 2 of 1,614,100 alleles (0.00012%); highest among the groups gnomAD compares: Non-Finnish European, 0.00017%; no homozygotes.

Submissions (3):

Genomenon, Inc
Classification: Uncertain significance for Hypophosphatasia. Last evaluated: 2025-08-29. Review status: criteria provided, single submitter. Criteria: Genomenon Sequence Variant Interpretation Standards. Collection method: curation. Allele origin: germline. Affected: yes.
Comment: ALPL c.538C>A is a missense variant that changes the amino acid at residue 180 from Histidine to Asparagine. This variant has been observed in a proband affected with hypophosphatasia (PMID:30655187). It is absent or not present at a significant frequency in gnomAD. In silico models agree that this variant is possibly or probably damaging. In conclusion, we classify ALPL p.His180Asn (c.538C>A) as a variant of unknown significance.

Women's Health and Genetics/Laboratory Corporation of America, LabCorp
Classification: Uncertain significance. Last evaluated: 2024-09-10. Review status: criteria provided, single submitter. Criteria: LabCorp Variant Classification Summary - May 2015. Collection method: clinical testing. Allele origin: germline.
Comment: Variant summary: ALPL c.538C>A (p.His180Asn) results in a conservative amino acid change in the encoded protein sequence. Three of five in-silico tools predict a damaging effect of the variant on protein function. The variant was absent in 251132 control chromosomes (gnomAD). The available data on variant occurrences in the general population are insufficient to allow any conclusion about variant significance. The variant, c.538C>A has, been reported in the literature in at least one heterozygous adult individual affected with Hypophosphatasia (e.g. Taillandier_2018, Lefever_2018). These reports do not provide unequivocal conclusions about association of the variant with Hypophosphatasia. To our knowledge, no experimental evidence demonstrating an impact on protein function has been reported. The following publications have been ascertained in the context of this evaluation (PMID: 29236161, 30655187). ClinVar contains an entry for this variant (Variation ID: 1334798). Based on the evidence outlined above, the variant was classified as uncertain significance.

JKU Lab, Dept of Paediatrics, Johannes Kepler University
Classification: Uncertain significance for Hypophosphatasia. Last evaluated: 2021-12-13. Review status: criteria provided, single submitter. Criteria: ACMG Guidelines, 2015. Collection method: clinical testing. Allele origin: germline. Affected: yes. Observed: 1 heterozygote.
Comment: This variant is absent from large population studies. Functional studies performed at the JKU Hoegler lab showed reduced ALPL activity. ACMG Criteria used for classification: 2x BS3_sup, PM2_sup.

Literature cited by the submitters: PubMed 30655187 (cited by 3 submitters); PubMed 29236161 (cited by Women's Health and Genetics/Laboratory Corporation of America, LabCorp and JKU Lab, Dept of Paediatrics, Johannes Kepler University).